The following is an entry in ClinVar:

ClinVar aggregate classification (germline): Likely benign (1 of 4 stars; one submission).

Allele frequency attached by ClinVar (database versions not stated): gnomAD 0.00501 and 0.00614; gnomAD exomes 0.00510; TOPMed 0.00596; 1000 Genomes Project 30x 0.01234; 1000 Genomes Project 0.01338.
gnomAD v4.1: 6,379 of 1,211,856 alleles (0.53%); highest among the groups gnomAD compares: South Asian, 4.3%; 113 homozygotes.

Submission:

GeneDx
Classification: Likely benign. Last evaluated: 2018-06-16. Review status: criteria provided, single submitter. Criteria: GeneDx Variant Classification (06012015). Collection method: clinical testing. Allele origin: germline. Affected: yes.
Comment: This variant is considered likely benign or benign based on one or more of the following criteria: it is a conservative change, it occurs at a poorly conserved position in the protein, it is predicted to be benign by multiple in silico algorithms, and/or has population frequency not consistent with disease.

NM_014141.6(CNTNAP2):c.2384-111A>C

Gene: CNTNAP2 (contactin associated protein 2; plus strand). Cytogenetic location: 7q35.
Variant type: single nucleotide variant.
Coding change: c.2384-111A>C on transcript NM_014141.6 (MANE Select); 111 bases into the intron before coding-DNA position 2384, A replaced by C.
Molecular consequence: intron variant.
Genome position (GRCh38, 1-based): chr7:148,118,007, A>C. VCF-style: chr7-148118007-A-C. GRCh37 (hg19) VCF-style: chr7-147815099-A-C.
Identifiers: ClinVar variation 674746 (VCV000674746.1), dbSNP rs140455470, ClinGen allele CA168812424.